The following is an entry in ClinVar:

NM_002230.4(JUP):c.98G>T (p.Cys33Phe)

Gene: JUP (junction plakoglobin; minus strand). Cytogenetic location: 17q21.2.
Variant type: single nucleotide variant.
Coding change: c.98G>T on transcript NM_002230.4 (MANE Select); coding-DNA position 98, G replaced by T.
Protein change: p.Cys33Phe; replaces cysteine 33 with phenylalanine.
Molecular consequence: missense variant.
Genome position (GRCh38, 1-based): chr17:41,771,757, C>A on the plus strand (G>T on the coding strand, the complement: JUP is on the minus strand). VCF-style: chr17-41771757-C-A. GRCh37 (hg19) VCF-style: chr17-39928009-C-A.
Other names: c.98G>T, p.Cys33Phe (NM_001352773.2, NM_001352774.2, NM_001352775.2 and 3 more transcripts); short protein forms C33F.
Identifiers: ClinVar variation 2951111 (VCV002951111.3), dbSNP rs2544216232, ClinGen allele CA399507009.

ClinVar aggregate classification (germline): Uncertain significance (1 of 4 stars; one submission).

Conditions:
Arrhythmogenic right ventricular dysplasia 12. Also called: ARRHYTHMOGENIC RIGHT VENTRICULAR DYSPLASIA, FAMILIAL, 12. Identifiers: MedGen C1969081, MONDO:0012684, OMIM 611528.
Naxos disease (NXD). Also called: KERATOSIS PALMOPLANTARIS WITH ARRHYTHMOGENIC CARDIOMYOPATHY; MAL DE NAXOS; PALMOPLANTAR KERATODERMA WITH ARRHYTHMOGENIC RIGHT VENTRICULAR CARDIOMYOPATHY AND WOOLLY HAIR; WOOLLY HAIR, PALMOPLANTAR KERATODERMA, AND CARDIAC ABNORMALITIES; CARDIOMYOPATHY, ARRHYTHMOGENIC RIGHT VENTRICULAR, WITH SKIN, HAIR, AND NAIL ABNORMALITIES. Identifiers: Orphanet 34217, MedGen C1832600, MONDO:0011017, OMIM 601214.

Submission:

Labcorp Genetics (formerly Invitae), Labcorp
Classification: Uncertain significance for Arrhythmogenic right ventricular dysplasia 12; Naxos disease. Last evaluated: 2023-08-18. Review status: criteria provided, single submitter. Criteria: Invitae Variant Classification Sherloc (09022015). Collection method: clinical testing. Allele origin: germline.
Comment: In summary, the available evidence is currently insufficient to determine the role of this variant in disease. Therefore, it has been classified as a Variant of Uncertain Significance. An algorithm developed to predict the effect of missense changes on protein structure and function (PolyPhen-2) suggests that this variant is likely to be tolerated. This variant has not been reported in the literature in individuals affected with JUP-related conditions. This variant is not present in population databases (gnomAD no frequency). This sequence change replaces cysteine, which is neutral and slightly polar, with phenylalanine, which is neutral and non-polar, at codon 33 of the JUP protein (p.Cys33Phe).